The following is an entry in ClinVar:

NM_002241.5(KCNJ10):c.783G>C (p.Glu261Asp)

Gene: KCNJ10 (potassium inwardly rectifying channel subfamily J member 10; minus strand). Cytogenetic location: 1q23.2.
Variant type: single nucleotide variant.
Coding change: c.783G>C on transcript NM_002241.5 (MANE Select); coding-DNA position 783, G replaced by C.
Protein change: p.Glu261Asp; replaces glutamic acid 261 with aspartic acid.
Molecular consequence: missense variant.
Genome position (GRCh38, 1-based): chr1:160,041,750, C>G on the plus strand (G>C on the coding strand, the complement: KCNJ10 is on the minus strand). VCF-style: chr1-160041750-C-G. GRCh37 (hg19) VCF-style: chr1-160011540-C-G.
Other names: short protein forms E261D.
Identifiers: ClinVar variation 659085 (VCV000659085.10), dbSNP rs372204106, ClinGen allele CA1193203.

ClinVar aggregate classification (germline): Uncertain significance. Review status: criteria provided, multiple submitters, no conflicts (2 of 4 stars). 2 submissions from 2 submitters: Uncertain significance (2). Last evaluated 2024-06-04.

Conditions:
EAST syndrome (SESAMES). Also called: SEIZURES, SENSORINEURAL DEAFNESS, ATAXIA, IMPAIRED INTELLECTUAL DEVELOPMENT, AND ELECTROLYTE IMBALANCE. Identifiers: Orphanet 199343, MedGen C2748572, MONDO:0013005, OMIM 612780.
Autosomal recessive nonsyndromic hearing loss 4 (DFNB4). Also called: FOXI1-Related Pendred Syndrome; KCNJ10-Related Pendred Syndrome; Deafness, autosomal recessive 4, with enlarged vestibular aqueduct; Deafness, autosomal recessive 4; NEUROSENSORY NONSYNDROMIC RECESSIVE DEAFNESS 4; DEAFNESS, AUTOSOMAL RECESSIVE 4, WITH ENLARGED VESTIBULAR AQUEDUCT, DIGENIC. Identifiers: Orphanet 90636, MedGen C3538946, MONDO:0010933, OMIM 600791.

Allele frequency attached by ClinVar (database versions not stated): gnomAD exomes below 0.00001 and 0.00002; ExAC 0.00003; gnomAD 0.00003 and 0.00004; TOPMed 0.00006; ESP Exome Variant Server 0.00008.

Submissions (2):

Fulgent Genetics
Classification: Uncertain significance for Autosomal recessive nonsyndromic hearing loss 4; EAST syndrome. Last evaluated: 2024-06-04. Review status: criteria provided, single submitter. Criteria: ACMG Guidelines, 2015. Collection method: clinical testing. Allele origin: germline.

Labcorp Genetics (formerly Invitae), Labcorp
Classification: Uncertain significance for EAST syndrome. Last evaluated: 2022-07-06. Review status: criteria provided, single submitter. Criteria: Invitae Variant Classification Sherloc (09022015). Collection method: clinical testing. Allele origin: germline.
Comment: This variant is present in population databases (rs372204106, gnomAD 0.02%). This sequence change replaces glutamic acid, which is acidic and polar, with aspartic acid, which is acidic and polar, at codon 261 of the KCNJ10 protein (p.Glu261Asp). This variant has not been reported in the literature in individuals affected with KCNJ10-related conditions. In summary, the available evidence is currently insufficient to determine the role of this variant in disease. Therefore, it has been classified as a Variant of Uncertain Significance. Algorithms developed to predict the effect of missense changes on protein structure and function output the following: SIFT: "Tolerated"; PolyPhen-2: "Benign"; Align-GVGD: "Class C0". The aspartic acid amino acid residue is found in multiple mammalian species, which suggests that this missense change does not adversely affect protein function. ClinVar contains an entry for this variant (Variation ID: 659085).